The following is an entry in ClinVar:

ClinVar aggregate classification (germline): Uncertain significance (1 of 4 stars; one submission).

Submission:

Mayo Clinic Laboratories, Mayo Clinic
Classification: Uncertain significance. Last evaluated: 2023-08-30. Review status: criteria provided, single submitter. Criteria: ACMG Guidelines, 2015. Collection method: clinical testing. Allele origin: germline. Observed: 1 variant allele.
Comment: BP4, PM2_moderate

NM_001142864.4(PIEZO1):c.4414G>A (p.Glu1472Lys)

Gene: PIEZO1 (piezo type mechanosensitive ion channel component 1 (Er blood group); minus strand). Cytogenetic location: 16q24.3.
Variant type: single nucleotide variant.
Coding change: c.4414G>A on transcript NM_001142864.4 (MANE Select); coding-DNA position 4414, G replaced by A.
Protein change: p.Glu1472Lys; replaces glutamic acid 1472 with lysine.
Molecular consequence: missense variant.
Genome position (GRCh38, 1-based): chr16:88,723,250, C>T on the plus strand (G>A on the coding strand, the complement: PIEZO1 is on the minus strand). VCF-style: chr16-88723250-C-T. GRCh37 (hg19) VCF-style: chr16-88789658-C-T.
Other names: p.Glu1472Lys; short protein forms E1472K.
Identifiers: ClinVar variation 3380426 (VCV003380426.1).